The following is an entry in ClinVar:

NM_000368.5(TSC1):c.520G>A (p.Glu174Lys)

Gene: TSC1 (TSC complex subunit 1; minus strand). Cytogenetic location: 9q34.13.
Variant type: single nucleotide variant.
Coding change: c.520G>A on transcript NM_000368.5 (MANE Select); coding-DNA position 520, G replaced by A.
Protein change: p.Glu174Lys; replaces glutamic acid 174 with lysine.
Molecular consequence: missense variant. On other transcripts: 5 prime UTR variant (5), non-coding transcript variant (5).
Genome position (GRCh38, 1-based): chr9:132,921,962, C>T on the plus strand (G>A on the coding strand, the complement: TSC1 is on the minus strand). VCF-style: chr9-132921962-C-T. GRCh37 (hg19) VCF-style: chr9-135797349-C-T.
Other names: c.157G>A, p.Glu53Lys (NM_001406620.1, NM_001406621.1, NM_001406622.1 and 10 more transcripts); c.-358G>A (NM_001406626.1, NM_001406627.1, NM_001406628.1); c.-500G>A (NM_001406629.1); c.-574G>A (NM_001406630.1); c.520G>A, p.Glu174Lys (NM_001406609.1, NM_001406592.1, NM_001406593.1 and 16 more transcripts); c.367G>A, p.Glu123Lys (NM_001406610.1, NM_001406611.1, NM_001406612.1 and 2 more transcripts); short protein forms E123K, E174K, E53K.
Identifiers: ClinVar variation 5031203 (VCV005031203.1).

ClinVar aggregate classification (germline): Uncertain significance (1 of 4 stars; one submission).

Conditions:
Hereditary cancer-predisposing syndrome. Also called: Neoplastic Syndromes, Hereditary; Tumor predisposition; Hereditary neoplastic syndrome; Hereditary Cancer Syndrome. Identifiers: Orphanet 140162, MedGen C0027672, MeSH D009386, MONDO:0015356.

Submission:

Ambry Genetics
Classification: Uncertain significance for Hereditary cancer-predisposing syndrome. Last evaluated: 2026-06-24. Review status: criteria provided, single submitter. Criteria: Ambry Variant Classification Scheme 2023. Collection method: clinical testing. Allele origin: germline.
Comment: The p.E174K variant (also known as c.520G>A), located in coding exon 5 of the TSC1 gene, results from a G to A substitution at nucleotide position 520. The glutamic acid at codon 174 is replaced by lysine, an amino acid with similar properties. This amino acid position is conserved. In addition, the in silico prediction for this alteration is inconclusive. Based on the available evidence, the clinical significance of this variant remains unclear.